The following is an entry in ClinVar:

NM_138691.3(TMC1):c.2192A>G (p.Lys731Arg)

Gene: TMC1 (transmembrane channel like 1; plus strand). Cytogenetic location: 9q21.13.
Variant type: single nucleotide variant.
Coding change: c.2192A>G on transcript NM_138691.3 (MANE Select); coding-DNA position 2192, A replaced by G.
Protein change: p.Lys731Arg; replaces lysine 731 with arginine.
Molecular consequence: missense variant.
Genome position (GRCh38, 1-based): chr9:72,830,513, A>G. VCF-style: chr9-72830513-A-G. GRCh37 (hg19) VCF-style: chr9-75445429-A-G.
Other names: short protein forms K731R.
Identifiers: ClinVar variation 1120107 (VCV001120107.4), dbSNP rs775993082, ClinGen allele CA5082172.

ClinVar aggregate classification (germline): Uncertain significance (1 of 4 stars; one submission).

Allele frequency attached by ClinVar (database versions not stated): ExAC 0.00001; gnomAD exomes 0.00002; gnomAD 0.00003; TOPMed 0.00003.
gnomAD v4.1: 39 of 1,613,516 alleles (0.0024%); highest among the groups gnomAD compares: African/African-American, 0.0053%; no homozygotes.

Submission:

Laboratory for Molecular Medicine, Mass General Brigham Personalized Medicine
Classification: Uncertain significance. Last evaluated: 2020-06-02. Review status: criteria provided, single submitter. Criteria: LMM Criteria. Collection method: clinical testing. Allele origin: germline. Observed: 1 variant allele.
Comment: The p.Lys731Arg variant in TMC1 has not been previously reported in individuals with hearing loss but has been identified in 0.06% (1/16034) of African and in 0.05% (2/34526) of Latino chromosomes by gnomAD. Computational prediction tools and conservation analyses suggest that this variant may not impact the protein, though this information is not predictive enough to rule out pathogenicity. In summary, the clinical significance of this variant is uncertain. ACMG/AMP Criteria applied: PM2_Supporting, BP4.